The following is an entry in ClinVar:

ClinVar aggregate classification (germline): Benign. Review status: criteria provided, multiple submitters, no conflicts (2 of 4 stars). 2 submissions from 2 submitters: Benign (2). Last evaluated 2018-01-13.

Conditions:
Fraser syndrome 3. Identifiers: MedGen C4540040, MONDO:0054739, OMIM 617667.

Allele frequency attached by ClinVar (database versions not stated): TOPMed 0.00209; gnomAD 0.00225 and 0.00269; gnomAD exomes 0.00376; 1000 Genomes Project 30x 0.00468; 1000 Genomes Project 0.00619.
gnomAD v4.1: 591 of 200,942 alleles (0.29%); highest among the groups gnomAD compares: East Asian, 2.8%; 6 homozygotes.

Submissions (2):

Illumina Laboratory Services, Illumina
Classification: Benign for Fraser syndrome 3. Last evaluated: 2018-01-13. Review status: criteria provided, single submitter. Criteria: ICSL Variant Classification Criteria 13 December 2019. Collection method: clinical testing. Allele origin: germline.
Comment: This variant was observed in the ICSL laboratory as part of a predisposition screen in an ostensibly healthy population. It had not been previously curated by ICSL or reported in the Human Gene Mutation Database (HGMD: prior to June 1st, 2018), and was therefore a candidate for classification through an automated scoring system. Utilizing variant allele frequency, disease prevalence and penetrance estimates, and inheritance mode, an automated score was calculated to assess if this variant is too frequent to cause the disease. Based on the score and internal cut-off values, a variant classified as benign is not then subjected to further curation. The score for this variant resulted in a classification of benign for this disease.

Breakthrough Genomics
Classification: Benign. Review status: criteria provided, single submitter. Criteria: ACMG Guidelines, 2015. Collection method: not provided. Allele origin: germline. Inheritance: Autosomal recessive inheritance. Affected: yes.

NM_001366722.1(GRIP1):c.*428C>T

Gene: GRIP1 (glutamate receptor interacting protein 1; minus strand). Cytogenetic location: 12q14.3.
Variant type: single nucleotide variant.
Coding change: c.*428C>T on transcript NM_001366722.1 (MANE Select); 428 bases downstream of the stop codon, C replaced by T.
Molecular consequence: 3 prime UTR variant.
Genome position (GRCh38, 1-based): chr12:66,348,591, G>A on the plus strand (C>T on the coding strand, the complement: GRIP1 is on the minus strand). VCF-style: chr12-66348591-G-A. GRCh37 (hg19) VCF-style: chr12-66742371-G-A.
Other names: c.*428C>T (NM_001178074.2, NM_001366723.1, NM_001366724.1 and 1 more transcripts).
Identifiers: ClinVar variation 310292 (VCV000310292.6), dbSNP rs78619935, ClinGen allele CA10633496.
Genomic context (GRCh38, chr12:66,348,591, plus strand): 5'-TAGTCCCAGCAGTTTACCAAACACTAGTTCCCCTAGTAGAGCCAGCCTATGAGAAGAAAA[G>A]CTTTGTTGGCCAAGTTCTTACATTAATGACTTCATAGTAAGAAACTGATTTCAAAGTGAA-3'